The following is an entry in ClinVar:

NM_004320.6(ATP2A1):c.2971T>C (p.Tyr991His)

Gene: ATP2A1 (ATPase sarcoplasmic/endoplasmic reticulum Ca2+ transporting 1; plus strand). Cytogenetic location: 16p11.2.
Variant type: single nucleotide variant.
Coding change: c.2971T>C on transcript NM_004320.6 (MANE Select); coding-DNA position 2971, T replaced by C.
Protein change: p.Tyr991His; replaces tyrosine 991 with histidine.
Molecular consequence: missense variant.
Genome position (GRCh38, 1-based): chr16:28,903,431, T>C. VCF-style: chr16-28903431-T-C. GRCh37 (hg19) VCF-style: chr16-28914752-T-C.
Other names: c.2596T>C, p.Tyr866His (NM_001286075.2); c.2971T>C, p.Tyr991His (NM_173201.5); short protein forms Y866H, Y991H.
Identifiers: ClinVar variation 1361086 (VCV001361086.6), dbSNP rs1165591642, ClinGen allele CA395416216.

ClinVar aggregate classification (germline): Uncertain significance (1 of 4 stars; one submission).

Conditions:
Brody myopathy. Also called: BRODY DISEASE. Identifiers: Orphanet 53347, MedGen C1832918, MONDO:0010977, OMIM 601003.

Allele frequency attached by ClinVar (database versions not stated): gnomAD exomes below 0.00001.
gnomAD v4.1: 1 of 1,613,298 alleles (0.000062%); highest among the groups gnomAD compares: African/African-American, 0.0013%; no homozygotes.

Submission:

Labcorp Genetics (formerly Invitae), Labcorp
Classification: Uncertain significance for Brody myopathy. Last evaluated: 2022-07-19. Review status: criteria provided, single submitter. Criteria: Invitae Variant Classification Sherloc (09022015). Collection method: clinical testing. Allele origin: germline.
Comment: In summary, the available evidence is currently insufficient to determine the role of this variant in disease. Therefore, it has been classified as a Variant of Uncertain Significance. Algorithms developed to predict the effect of missense changes on protein structure and function are either unavailable or do not agree on the potential impact of this missense change (SIFT: "Tolerated"; PolyPhen-2: "Probably Damaging"; Align-GVGD: "Class C0"). ClinVar contains an entry for this variant (Variation ID: 1361086). This variant has not been reported in the literature in individuals affected with ATP2A1-related conditions. This variant is not present in population databases (gnomAD no frequency). This sequence change replaces tyrosine, which is neutral and polar, with histidine, which is basic and polar, at codon 991 of the ATP2A1 protein (p.Tyr991His).